The following is an entry in ClinVar:

NM_001164508.2(NEB):c.3853A>G (p.Lys1285Glu)

Gene: NEB (nebulin; minus strand). Cytogenetic location: 2q23.3.
Variant type: single nucleotide variant.
Coding change: c.3853A>G on transcript NM_001164508.2 (MANE Select); coding-DNA position 3853, A replaced by G.
Protein change: p.Lys1285Glu; replaces lysine 1285 with glutamic acid.
Molecular consequence: missense variant.
Genome position (GRCh38, 1-based): chr2:151,675,313, T>C on the plus strand (A>G on the coding strand, the complement: NEB is on the minus strand). VCF-style: chr2-151675313-T-C. GRCh37 (hg19) VCF-style: chr2-152531827-T-C.
Other names: c.3853A>G, p.Lys1285Glu (NM_001164507.2, NM_001271208.2, NM_004543.5); short protein forms K1285E.
Identifiers: ClinVar variation 1718981 (VCV001718981.3), dbSNP rs2552261794, ClinGen allele CA348817918.

ClinVar aggregate classification (germline): Uncertain significance (1 of 4 stars; one submission).

Conditions:
Nemaline myopathy 2 (NEM2). Also called: Nemaline myopathy 2, autosomal recessive. Identifiers: MedGen C1850569, MONDO:0009725, OMIM 256030.

Submission:

Labcorp Genetics (formerly Invitae), Labcorp
Classification: Uncertain significance for Nemaline myopathy 2. Last evaluated: 2022-09-07. Review status: criteria provided, single submitter. Criteria: Invitae Variant Classification Sherloc (09022015). Collection method: clinical testing. Allele origin: germline.
Comment: This sequence change replaces lysine, which is basic and polar, with glutamic acid, which is acidic and polar, at codon 1285 of the NEB protein (p.Lys1285Glu). This variant is not present in population databases (gnomAD no frequency). This variant has not been reported in the literature in individuals affected with NEB-related conditions. Algorithms developed to predict the effect of missense changes on protein structure and function are either unavailable or do not agree on the potential impact of this missense change (SIFT: "Deleterious"; PolyPhen-2: "Not Available"; Align-GVGD: "Class C0"). In summary, the available evidence is currently insufficient to determine the role of this variant in disease. Therefore, it has been classified as a Variant of Uncertain Significance.